The following is an entry in ClinVar:

ClinVar aggregate classification (germline): Likely benign. Review status: criteria provided, multiple submitters, no conflicts (2 of 4 stars). 3 submissions from 3 submitters: Likely benign (2). 1 of the submissions does not count toward it. Last evaluated 2025-03-11.

Conditions:
DICER1-related tumor predisposition. Also called: DICER1 syndrome; DICER1-related pleuropulmonary blastoma cancer predisposition syndrome. Identifiers: Orphanet 284343, MedGen C3839822, MONDO:0100216.
Hereditary cancer-predisposing syndrome. Also called: Neoplastic Syndromes, Hereditary; Hereditary Cancer Syndrome; Tumor predisposition; Hereditary neoplastic syndrome. Identifiers: Orphanet 140162, MedGen C0027672, MeSH D009386, MONDO:0015356.
DICER1-related disorder. Also called: DICER1-related condition.

Allele frequency attached by ClinVar (database versions not stated): gnomAD exomes 0.00001.
gnomAD v4.1: 10 of 1,608,222 alleles (0.00062%); highest among the groups gnomAD compares: Non-Finnish European, 0.00085%; no homozygotes.

Submissions (3):

Labcorp Genetics (formerly Invitae), Labcorp
Classification: Likely benign for DICER1-related tumor predisposition. Last evaluated: 2025-03-11. Review status: criteria provided, single submitter. Criteria: Invitae Variant Classification Sherloc (09022015). Collection method: clinical testing. Allele origin: germline.

Ambry Genetics
Classification: Likely benign for Hereditary cancer-predisposing syndrome. Last evaluated: 2023-06-09. Review status: criteria provided, single submitter. Criteria: Ambry Variant Classification Scheme 2023. Collection method: clinical testing. Allele origin: germline.

PreventionGenetics, part of Exact Sciences
Classification: Likely benign for DICER1-related condition. Last evaluated: 2023-03-02. Review status: no assertion criteria provided. Collection method: clinical testing. Allele origin: germline. Not counted in ClinVar's aggregate classification.
Comment: This variant is classified as likely benign based on ACMG/AMP sequence variant interpretation guidelines (Richards et al. 2015 PMID: 25741868, with internal and published modifications).

NM_177438.3(DICER1):c.744T>A (p.Ser248=)

Gene: DICER1 (dicer 1, ribonuclease III; minus strand). Cytogenetic location: 14q32.13.
Variant type: single nucleotide variant.
Coding change: c.744T>A on transcript NM_177438.3 (MANE Select); coding-DNA position 744, T replaced by A.
Protein change: p.Ser248=; no amino-acid change (serine 248 retained).
Molecular consequence: synonymous variant.
Genome position (GRCh38, 1-based): chr14:95,126,739, A>T on the plus strand (T>A on the coding strand, the complement: DICER1 is on the minus strand). VCF-style: chr14-95126739-A-T. GRCh37 (hg19) VCF-style: chr14-95593076-A-T.
Other names: c.744T>A, p.Ser248= (NM_001195573.1, NM_001271282.3, NM_001291628.2 and 1 more transcripts).
Identifiers: ClinVar variation 799260 (VCV000799260.15), dbSNP rs1595448435, ClinGen allele CA487633606.
Genomic context (GRCh38, chr14:95,126,739, plus strand): 5'-TTCATAAAGCCCACTTCTGTCAGTAAATGGTCCACAATCCACCACAATCTCACATGGCTG[A>T]GAAGTATACCTTTAACATAAGAAACAAAAGGTATCAATACTGCAGTAGTGAGAATGCAAT-3'
Protein context (NP_803187.1, residues 238-258): TDLVVLDRYT[Ser248=]QPCEIVVDCG